The following is an entry in ClinVar:

ClinVar aggregate classification (germline): Uncertain significance. Review status: criteria provided, multiple submitters, no conflicts (2 of 4 stars). 2 submissions from 2 submitters: Uncertain significance (2). Last evaluated 2026-02-24.

Conditions:
Baller-Gerold syndrome (BGS). Also called: CRANIOSYNOSTOSIS WITH RADIAL DEFECTS. Identifiers: Orphanet 1225, MedGen C0265308, MONDO:0009039, OMIM 218600.
Inborn genetic diseases. Identifiers: MedGen C0950123, MeSH D030342.

Submissions (2):

Ambry Genetics
Classification: Uncertain significance for Inborn genetic diseases. Last evaluated: 2026-02-24. Review status: criteria provided, single submitter. Criteria: Ambry Variant Classification Scheme 2023. Collection method: clinical testing. Allele origin: germline.
Comment: The p.G1124D variant (also known as c.3371G>A), located in coding exon 19 of the RECQL4 gene, results from a G to A substitution at nucleotide position 3371. The glycine at codon 1124 is replaced by aspartic acid, an amino acid with similar properties. This amino acid position is conserved. In addition, this alteration is predicted to be tolerated by in silico analysis. Based on the available evidence, the clinical significance of this variant remains unclear.

Labcorp Genetics (formerly Invitae), Labcorp
Classification: Uncertain significance for Baller-Gerold syndrome. Last evaluated: 2025-02-13. Review status: criteria provided, single submitter. Criteria: Invitae Variant Classification Sherloc (09022015). Collection method: clinical testing. Allele origin: germline.
Comment: This sequence change replaces glycine, which is neutral and non-polar, with aspartic acid, which is acidic and polar, at codon 1124 of the RECQL4 protein (p.Gly1124Asp). This variant is present in population databases (no rsID available, gnomAD 0.01%). This variant has not been reported in the literature in individuals affected with RECQL4-related conditions. An algorithm developed to predict the effect of missense changes on protein structure and function outputs the following: PolyPhen-2: "Not Available". The aspartic acid amino acid residue is found in multiple mammalian species, which suggests that this missense change does not adversely affect protein function. In summary, the available evidence is currently insufficient to determine the role of this variant in disease. Therefore, it has been classified as a Variant of Uncertain Significance.

NM_004260.4(RECQL4):c.3371G>A (p.Gly1124Asp)

Gene: RECQL4 (RecQ like helicase 4; minus strand). Cytogenetic location: 8q24.3.
Variant type: single nucleotide variant.
Coding change: c.3371G>A on transcript NM_004260.4 (MANE Select); coding-DNA position 3371, G replaced by A.
Protein change: p.Gly1124Asp; replaces glycine 1124 with aspartic acid.
Molecular consequence: missense variant. On other transcripts: non-coding transcript variant (3).
Genome position (GRCh38, 1-based): chr8:144,511,933, C>T on the plus strand (G>A on the coding strand, the complement: RECQL4 is on the minus strand). VCF-style: chr8-144511933-C-T. GRCh37 (hg19) VCF-style: chr8-145737316-C-T.
Other names: c.3371G>A (NM_004260.3); c.3077G>A, p.Gly1026Asp (NM_001413017.1); c.3173G>A, p.Gly1058Asp (NM_001413018.1); c.3446G>A, p.Gly1149Asp (NM_001413019.1); c.3275G>A, p.Gly1092Asp (NM_001413020.1); c.2300G>A, p.Gly767Asp (NM_001413021.1, NM_001413022.1, NM_001413024.1 and 4 more transcripts); c.2375G>A, p.Gly792Asp (NM_001413023.1); c.3242G>A, p.Gly1081Asp (NM_001413025.1); and 10 more; short protein forms G745D, G757D, G1007D, G770D, G792D, G1080D, G1081D, G1092D.
Identifiers: ClinVar variation 4725466 (VCV004725466.2).